The following is an entry in ClinVar:

ClinVar aggregate classification (germline): Uncertain significance (1 of 4 stars; one submission).

Submission:

Ambry Genetics
Classification: Uncertain significance. Last evaluated: 2023-06-05. Review status: criteria provided, single submitter. Criteria: Ambry Variant Classification Scheme 2023. Collection method: clinical testing. Allele origin: germline.
Comment: The p.S36P variant (also known as c.106T>C), located in coding exon 1 of the ALPK2 gene, results from a T to C substitution at nucleotide position 106. The serine at codon 36 is replaced by proline, an amino acid with similar properties. This amino acid position is conserved. In addition, this alteration is predicted to be tolerated by in silico analysis. Since supporting evidence is limited at this time, the clinical significance of this alteration remains unclear.

NM_052947.4(ALPK2):c.106T>C (p.Ser36Pro)

Gene: ALPK2 (alpha kinase 2; minus strand). Cytogenetic location: 18q21.32.
Variant type: single nucleotide variant.
Coding change: c.106T>C on transcript NM_052947.4 (MANE Select); coding-DNA position 106, T replaced by C.
Protein change: p.Ser36Pro; replaces serine 36 with proline.
Molecular consequence: missense variant.
Genome position (GRCh38, 1-based): chr18:58,611,692, A>G on the plus strand (T>C on the coding strand, the complement: ALPK2 is on the minus strand). VCF-style: chr18-58611692-A-G. GRCh37 (hg19) VCF-style: chr18-56278924-A-G.
Other names: short protein forms S36P.
Identifiers: ClinVar variation 2564110 (VCV002564110.2), dbSNP rs2518915247, ClinGen allele CA402557811.